The following is an entry in ClinVar:

ClinVar aggregate classification (germline): Benign/Likely benign. Review status: criteria provided, multiple submitters, no conflicts (2 of 4 stars). 9 submissions from 9 submitters: Benign (4); Likely benign (4). 1 of the submissions does not count toward it. Last evaluated 2026-01-27.

Conditions:
Neuronal ceroid lipofuscinosis 13 (CLN13). Also called: CEROID LIPOFUSCINOSIS, NEURONAL, 13 (KUFS TYPE); CLN13 Disease. Identifiers: Orphanet 352709, Orphanet 79262, MedGen C3715049, MONDO:0014147, OMIM 615362.
CTSF-related disorder. Also called: CTSF-related condition.
Inborn genetic diseases. Identifiers: MedGen C0950123, MeSH D030342.

Allele frequency attached by ClinVar (database versions not stated): gnomAD 0.00411 and 0.00447; 1000 Genomes Project 0.00419; 1000 Genomes Project 30x 0.00422; TOPMed 0.00477; ESP Exome Variant Server 0.00508.
gnomAD v4.1: 1,302 of 1,612,372 alleles (0.081%); highest among the groups gnomAD compares: African/African-American, 1.5%; 10 homozygotes.

Submissions (9):

Labcorp Genetics (formerly Invitae), Labcorp
Classification: Benign for Neuronal ceroid lipofuscinosis 13. Last evaluated: 2026-01-27. Review status: criteria provided, single submitter. Criteria: Invitae Variant Classification Sherloc (09022015). Collection method: clinical testing. Allele origin: germline.

Mayo Clinic Laboratories, Mayo Clinic
Classification: Likely benign. Last evaluated: 2025-09-03. Review status: criteria provided, single submitter. Criteria: ACMG Guidelines, 2015. Collection method: clinical testing. Allele origin: germline. Observed: 5 variant alleles.
Comment: BA1, BP4, BP7

ARUP Laboratories, Molecular Genetics and Genomics, ARUP Laboratories
Classification: Benign for Neuronal ceroid lipofuscinosis 13. Last evaluated: 2025-04-08. Review status: criteria provided, single submitter. Criteria: ARUP Molecular Germline Variant Investigation Process 2024. Collection method: clinical testing. Allele origin: germline.

Blueprint Genetics
Classification: Likely benign. Last evaluated: 2024-08-19. Review status: criteria provided, single submitter. Criteria: ACMG Guidelines, 2015. Collection method: clinical testing. Allele origin: germline.

Athena Diagnostics
Classification: Benign. Last evaluated: 2019-11-08. Review status: criteria provided, single submitter. Criteria: Athena Diagnostics Criteria. Collection method: clinical testing. Allele origin: unknown.

GeneDx
Classification: Benign. Last evaluated: 2018-12-11. Review status: criteria provided, single submitter. Criteria: GeneDx Variant Classification Process June 2021. Collection method: clinical testing. Allele origin: germline. Affected: yes.

Ambry Genetics
Classification: Likely benign for Inborn genetic diseases. Last evaluated: 2016-05-02. Review status: criteria provided, single submitter. Criteria: Ambry Variant Classification Scheme 2023. Collection method: clinical testing. Allele origin: germline.

Breakthrough Genomics
Classification: Likely benign. Review status: criteria provided, single submitter. Criteria: ACMG Guidelines, 2015. Collection method: not provided. Allele origin: germline. Inheritance: Autosomal recessive inheritance. Affected: yes.

PreventionGenetics, part of Exact Sciences
Classification: Benign for CTSF-related condition. Last evaluated: 2024-03-11. Review status: no assertion criteria provided. Collection method: clinical testing. Allele origin: germline. Not counted in ClinVar's aggregate classification.
Comment: This variant is classified as benign based on ACMG/AMP sequence variant interpretation guidelines (Richards et al. 2015 PMID: 25741868, with internal and published modifications).

NM_003793.4(CTSF):c.1158C>T (p.Asn386=)

Gene: CTSF (cathepsin F; minus strand). Cytogenetic location: 11q13.2.
Variant type: single nucleotide variant.
Coding change: c.1158C>T on transcript NM_003793.4 (MANE Select); coding-DNA position 1158, C replaced by T.
Protein change: p.Asn386=; no amino-acid change (asparagine 386 retained).
Molecular consequence: synonymous variant.
Genome position (GRCh38, 1-based): chr11:66,564,894, G>A on the plus strand (C>T on the coding strand, the complement: CTSF is on the minus strand). VCF-style: chr11-66564894-G-A. GRCh37 (hg19) VCF-style: chr11-66332365-G-A.
Other names: p.Asn386=.
Identifiers: ClinVar variation 587844 (VCV000587844.24), dbSNP rs116329758, ClinGen allele CA6125305.